The following is an entry in ClinVar:

NM_001999.4(FBN2):c.2813A>G (p.Asp938Gly)

Gene: FBN2 (fibrillin 2; minus strand). Cytogenetic location: 5q23.3.
Variant type: single nucleotide variant.
Coding change: c.2813A>G on transcript NM_001999.4 (MANE Select); coding-DNA position 2813, A replaced by G.
Protein change: p.Asp938Gly; replaces aspartic acid 938 with glycine.
Molecular consequence: missense variant.
Genome position (GRCh38, 1-based): chr5:128,350,005, T>C on the plus strand (A>G on the coding strand, the complement: FBN2 is on the minus strand). VCF-style: chr5-128350005-T-C. GRCh37 (hg19) VCF-style: chr5-127685697-T-C.
Other names: short protein forms D938G.
Identifiers: ClinVar variation 2842285 (VCV002842285.3), dbSNP rs1445789115, ClinGen allele CA360766043.

ClinVar aggregate classification (germline): Uncertain significance (1 of 4 stars; one submission).

Conditions:
Congenital contractural arachnodactyly (CCA). Also called: Beals-Hecht syndrome; BEALS SYNDROME; Arthrogryposis, distal, type 9. Identifiers: Orphanet 115, MedGen C0220668, MONDO:0007363, OMIM 121050.

Submission:

Labcorp Genetics (formerly Invitae), Labcorp
Classification: Uncertain significance for Congenital contractural arachnodactyly. Last evaluated: 2023-07-16. Review status: criteria provided, single submitter. Criteria: Invitae Variant Classification Sherloc (09022015). Collection method: clinical testing. Allele origin: germline.
Comment: In summary, the available evidence is currently insufficient to determine the role of this variant in disease. Therefore, it has been classified as a Variant of Uncertain Significance. An algorithm developed to predict the effect of missense changes on protein structure and function (PolyPhen-2) suggests that this variant is likely to be tolerated. This variant has not been reported in the literature in individuals affected with FBN2-related conditions. This variant is present in population databases (no rsID available, gnomAD 0.0009%). This sequence change replaces aspartic acid, which is acidic and polar, with glycine, which is neutral and non-polar, at codon 938 of the FBN2 protein (p.Asp938Gly).